The following is an entry in ClinVar:

NM_198503.5(KCNT2):c.1443C>T (p.Tyr481=)

Gene: KCNT2 (potassium sodium-activated channel subfamily T member 2; minus strand). Cytogenetic location: 1q31.3.
Variant type: single nucleotide variant.
Coding change: c.1443C>T on transcript NM_198503.5 (MANE Select); coding-DNA position 1443, C replaced by T.
Protein change: p.Tyr481=; no amino-acid change (tyrosine 481 retained).
Molecular consequence: synonymous variant. On other transcripts: non-coding transcript variant (2), intron variant (1).
Genome position (GRCh38, 1-based): chr1:196,342,189, G>A on the plus strand (C>T on the coding strand, the complement: KCNT2 is on the minus strand). VCF-style: chr1-196342189-G-A. GRCh37 (hg19) VCF-style: chr1-196311319-G-A.
Other names: c.1443C>T, p.Tyr481= (NM_001287819.3); c.1404-1619C>T (NM_001287820.3).
Identifiers: ClinVar variation 4872175 (VCV004872175.2).

ClinVar aggregate classification (germline): Likely benign (1 of 4 stars; one submission).

gnomAD v4.1: 18 of 1,610,884 alleles (0.0011%); highest among the groups gnomAD compares: South Asian, 0.0055%; no homozygotes.

Submission:

CeGaT Center for Human Genetics Tuebingen
Classification: Likely benign. Last evaluated: 2026-08-01. Review status: criteria provided, single submitter. Criteria: CeGaT Center For Human Genetics Tuebingen Variant Classification Criteria Version 2. Collection method: clinical testing. Allele origin: germline. Affected: yes. Observed: 2 variant alleles.
Comment: KCNT2: BP4, BP7